The following is an entry in ClinVar:

NM_025074.7(FRAS1):c.10926-1G>A

Genes: FRAS1 (Fraser extracellular matrix complex subunit 1; plus strand), LOC126807089 (CDK7 strongly-dependent group 2 enhancer GRCh37_chr4:79455131-79456330; plus strand). Cytogenetic location: 4q21.21.
Variant type: single nucleotide variant.
Coding change: c.10926-1G>A on transcript NM_025074.7 (MANE Select); the canonical splice acceptor site of the intron before coding-DNA position 10926, G replaced by A.
Molecular consequence: splice acceptor variant.
Genome position (GRCh38, 1-based): chr4:78,534,448, G>A. VCF-style: chr4-78534448-G-A. GRCh37 (hg19) VCF-style: chr4-79455602-G-A.
Identifiers: ClinVar variation 2992635 (VCV002992635.3), dbSNP rs2475847495, ClinGen allele CA357395999.

ClinVar aggregate classification (germline): Likely pathogenic (1 of 4 stars; one submission).

Submission:

Labcorp Genetics (formerly Invitae), Labcorp
Classification: Likely pathogenic. Last evaluated: 2023-09-06. Review status: criteria provided, single submitter. Criteria: Invitae Variant Classification Sherloc (09022015). Collection method: clinical testing. Allele origin: germline.
Comment: This sequence change affects an acceptor splice site in intron 70 of the FRAS1 gene. It is expected to disrupt RNA splicing. Variants that disrupt the donor or acceptor splice site typically lead to a loss of protein function (PMID: 16199547), and loss-of-function variants in FRAS1 are known to be pathogenic (PMID: 12766769, 18671281). This variant is not present in population databases (gnomAD no frequency). This variant has not been reported in the literature in individuals affected with FRAS1-related conditions. Algorithms developed to predict the effect of sequence changes on RNA splicing suggest that this variant may disrupt the consensus splice site. In summary, the currently available evidence indicates that the variant is pathogenic, but additional data are needed to prove that conclusively. Therefore, this variant has been classified as Likely Pathogenic.

Literature cited by the submitters: PubMed 16199547; PubMed 12766769; PubMed 18671281.